The following is an entry in ClinVar:

ClinVar aggregate classification (germline): Pathogenic. Review status: criteria provided, multiple submitters, no conflicts (2 of 4 stars). 4 submissions from 4 submitters: Pathogenic (4). Last evaluated 2021-03-01.

Conditions:
Familial thoracic aortic aneurysm and aortic dissection (TAAD). Also called: Thoracic aortic aneurysms and dissections. Identifiers: Orphanet 91387, MedGen C4707243, MONDO:0019625.
Marfan syndrome (MFS). Also called: Marfan syndrome type 1; Marfan syndrome, classic; Marfan's syndrome; FBN1-Related Marfan Syndrome; MARFAN SYNDROME, TYPE I. Identifiers: Orphanet 284963, Orphanet 558, MedGen C0024796, MONDO:0007947, OMIM 154700.

Submissions (4):

Centre of Medical Genetics, University of Antwerp
Classification: Pathogenic for Marfan syndrome. Last evaluated: 2021-03-01. Review status: criteria provided, single submitter. Criteria: Submitter's publication. Collection method: research. Allele origin: unknown. Affected: yes.
Comment: PM2, PVS1, PP4

Labcorp Genetics (formerly Invitae), Labcorp
Classification: Pathogenic for Marfan syndrome; Familial thoracic aortic aneurysm and aortic dissection. Last evaluated: 2018-03-23. Review status: criteria provided, single submitter. Criteria: Invitae Variant Classification Sherloc (09022015). Collection method: clinical testing. Allele origin: germline.
Comment: Loss-of-function variants in FBN1 are known to be pathogenic (PMID: 17657824, 19293843). For these reasons, this variant has been classified as Pathogenic. This sequence change creates a premature translational stop signal (p.Cys2659*) in the FBN1 gene. It is expected to result in an absent or disrupted protein product. This variant is not present in population databases (ExAC no frequency). This variant has been reported in an individual affected with incomplete Marfan syndrome (PMID: 19618372).

Ambry Genetics
Classification: Pathogenic for Familial thoracic aortic aneurysm and aortic dissection. Last evaluated: 2017-12-04. Review status: criteria provided, single submitter. Criteria: Ambry Variant Classification Scheme 2023. Collection method: clinical testing. Allele origin: germline.
Comment: The p.C2659* pathogenic mutation (also known as c.7977C>A), located in coding exon 63 of the FBN1 gene, results from a C to A substitution at nucleotide position 7977. This changes the amino acid from a cysteine to a stop codon within coding exon 63. This alteration has been reported in an individual with some Marfan-like features (Magyar I et al. Hum. Mutat., 2009 Sep;30:1355-64). In addition to the clinical data presented in the literature, this alteration is expected to result in loss of function by premature protein truncation or nonsense-mediated mRNA decay. As such, this alteration is interpreted as a disease-causing mutation.

Juno Genomics, Hangzhou Juno Genomics, Inc
Classification: Pathogenic for Marfan syndrome. Review status: criteria provided, single submitter. Criteria: ACMG Guidelines, 2015. Collection method: clinical testing. Allele origin: germline. Affected: yes.
Comment: Absent from controls (or at extremely low frequency if recessive) in Genome Aggregation Database, Exome Sequencing Project, 1000 Genomes Project, or Exome Aggregation Consortium.;Null variant in a gene where loss of function (LOF) is a known mechanism of disease.;The prevalence of the variant in affected individuals is significantly increased compared to the prevalence in controls.;Co-segregation with disease in multiple affected family members in a gene definitively known to cause the disease.

Literature cited by the submitters: PubMed 17657824 (cited by Labcorp Genetics (formerly Invitae), Labcorp); PubMed 19293843 (cited by Labcorp Genetics (formerly Invitae), Labcorp); PubMed 19618372 (cited by Labcorp Genetics (formerly Invitae), Labcorp and Ambry Genetics).

NM_000138.5(FBN1):c.7977C>A (p.Cys2659Ter)

Gene: FBN1 (fibrillin 1; minus strand). Cytogenetic location: 15q21.1.
Variant type: single nucleotide variant.
Coding change: c.7977C>A on transcript NM_000138.5 (MANE Select); coding-DNA position 7977, C replaced by A.
Protein change: p.Cys2659Ter; replaces cysteine 2659 with a stop codon.
Molecular consequence: nonsense.
Genome position (GRCh38, 1-based): chr15:48,415,610, G>T on the plus strand (C>A on the coding strand, the complement: FBN1 is on the minus strand). VCF-style: chr15-48415610-G-T. GRCh37 (hg19) VCF-style: chr15-48707807-G-T.
Other names: short protein forms C2659*.
Identifiers: ClinVar variation 519801 (VCV000519801.31), dbSNP rs1555393844, ClinGen allele CA392322844.